The following is an entry in ClinVar:

NM_001080467.3(MYO5B):c.2208C>T (p.Pro736=)

Gene: MYO5B (myosin VB; minus strand). Cytogenetic location: 18q21.1.
Variant type: single nucleotide variant.
Coding change: c.2208C>T on transcript NM_001080467.3 (MANE Select); coding-DNA position 2208, C replaced by T.
Protein change: p.Pro736=; no amino-acid change (proline 736 retained).
Molecular consequence: synonymous variant.
Genome position (GRCh38, 1-based): chr18:49,906,625, G>A on the plus strand (C>T on the coding strand, the complement: MYO5B is on the minus strand). VCF-style: chr18-49906625-G-A. GRCh37 (hg19) VCF-style: chr18-47432995-G-A.
Other names: c.2208C>T (NM_001080467.2).
Identifiers: ClinVar variation 1505806 (VCV001505806.11), dbSNP rs142276366, ClinGen allele CA8961159.
Genomic context (GRCh38, chr18:49,906,625, plus strand): 5'-CAGGTAGGCCACCTGGCCTGCTCGAAAGAAGATCTTGGTGCGGCCAAACTGGAACTTGTC[G>A]GGGTCCTTTACAAGGTAGGGAGGGGATCTGGTTGGTCACCAGTGAGCAGAGAAATAACAT-3'
Protein context (NP_001073936.1, residues 726-746): RSVLENLIKD[Pro736=]DKFQFGRTKI

ClinVar aggregate classification (germline): Likely benign. Review status: criteria provided, multiple submitters, no conflicts (2 of 4 stars). 3 submissions from 3 submitters: Likely benign (2). 1 of the submissions does not count toward it. Last evaluated 2025-12-03.

Conditions:
MYO5B-related disorder. Also called: MYO5B-related condition.

Allele frequency attached by ClinVar (database versions not stated): gnomAD exomes 0.00006 and 0.00008; ExAC 0.00008; ESP Exome Variant Server 0.00008; TOPMed 0.00013; gnomAD 0.00019 and 0.00020; 1000 Genomes Project 30x 0.00031; 1000 Genomes Project 0.00040.
gnomAD v4.1: 152 of 1,613,758 alleles (0.0094%); highest among the groups gnomAD compares: African/African-American, 0.053%; no homozygotes.

Submissions (3):

Labcorp Genetics (formerly Invitae), Labcorp
Classification: Likely benign. Last evaluated: 2025-12-03. Review status: criteria provided, single submitter. Criteria: Invitae Variant Classification Sherloc (09022015). Collection method: clinical testing. Allele origin: germline.

Blueprint Genetics
Classification: Likely benign. Last evaluated: 2024-11-06. Review status: criteria provided, single submitter. Criteria: ACMG Guidelines, 2015. Collection method: clinical testing. Allele origin: germline.

PreventionGenetics, part of Exact Sciences
Classification: Likely benign for MYO5B-related condition. Last evaluated: 2023-04-25. Review status: no assertion criteria provided. Collection method: clinical testing. Allele origin: germline. Not counted in ClinVar's aggregate classification.
Comment: This variant is classified as likely benign based on ACMG/AMP sequence variant interpretation guidelines (Richards et al. 2015 PMID: 25741868, with internal and published modifications).